The following is an entry in ClinVar:

NM_001385641.1(SAMD11):c.2440G>A (p.Gly814Ser)

Gene: SAMD11 (sterile alpha motif domain containing 11; plus strand). Cytogenetic location: 1p36.33.
Variant type: single nucleotide variant.
Coding change: c.2440G>A on transcript NM_001385641.1 (MANE Select); coding-DNA position 2440, G replaced by A.
Protein change: p.Gly814Ser; replaces glycine 814 with serine.
Molecular consequence: missense variant.
Genome position (GRCh38, 1-based): chr1:944,058, G>A. VCF-style: chr1-944058-G-A. GRCh37 (hg19) VCF-style: chr1-879438-G-A.
Other names: c.2443G>A, p.Gly815Ser (NM_001385640.1); c.1951G>A, p.Gly651Ser (NM_152486.4); short protein forms G651S, G815S, G814S.
Identifiers: ClinVar variation 1348385 (VCV001348385.3), dbSNP rs150903674, ClinGen allele CA503414.

ClinVar aggregate classification (germline): Uncertain significance (1 of 4 stars; one submission).

Allele frequency attached by ClinVar (database versions not stated): gnomAD exomes 0.00002; ExAC 0.00004; gnomAD 0.00004 and 0.00005; TOPMed 0.00006; ESP Exome Variant Server 0.00015.

Submission:

Labcorp Genetics (formerly Invitae), Labcorp
Classification: Uncertain significance. Last evaluated: 2022-09-06. Review status: criteria provided, single submitter. Criteria: Invitae Variant Classification Sherloc (09022015). Collection method: clinical testing. Allele origin: germline.
Comment: This sequence change replaces glycine, which is neutral and non-polar, with serine, which is neutral and polar, at codon 651 of the SAMD11 protein (p.Gly651Ser). This variant is present in population databases (rs150903674, gnomAD 0.01%). This variant has not been reported in the literature in individuals affected with SAMD11-related conditions. ClinVar contains an entry for this variant (Variation ID: 1348385). Algorithms developed to predict the effect of missense changes on protein structure and function output the following: SIFT: "Tolerated"; PolyPhen-2: "Benign"; Align-GVGD: "Class C0". The serine amino acid residue is found in multiple mammalian species, which suggests that this missense change does not adversely affect protein function. In summary, the available evidence is currently insufficient to determine the role of this variant in disease. Therefore, it has been classified as a Variant of Uncertain Significance.